The following is an entry in ClinVar:

NM_032387.5(WNK4):c.2837C>G (p.Pro946Arg)

Gene: WNK4 (WNK lysine deficient protein kinase 4; plus strand). Cytogenetic location: 17q21.2.
Variant type: single nucleotide variant.
Coding change: c.2837C>G on transcript NM_032387.5 (MANE Select); coding-DNA position 2837, C replaced by G.
Protein change: p.Pro946Arg; replaces proline 946 with arginine.
Molecular consequence: missense variant.
Genome position (GRCh38, 1-based): chr17:42,795,258, C>G. VCF-style: chr17-42795258-C-G. GRCh37 (hg19) VCF-style: chr17-40947276-C-G.
Other names: c.1829C>G, p.Pro610Arg (NM_001321299.2); short protein forms P946R, P610R.
Identifiers: ClinVar variation 323345 (VCV000323345.10), dbSNP rs200187290, ClinGen allele CA8584448.

ClinVar aggregate classification (germline): Uncertain significance. Review status: criteria provided, multiple submitters, no conflicts (2 of 4 stars). 4 submissions from 4 submitters: Uncertain significance (4). Last evaluated 2026-07-07.

Conditions:
Inborn genetic diseases. Identifiers: MedGen C0950123, MeSH D030342.
WNK4-related disorder. Also called: WNK4-related condition.
Pseudohypoaldosteronism type 2B (PHA2B). Also called: Pseudohypoaldosteronism Type IIB. Identifiers: Orphanet 757, Orphanet 88939, MedGen C1840390, MONDO:0013777, OMIM 614491.

Allele frequency attached by ClinVar (database versions not stated): ExAC 0.00001; gnomAD exomes 0.00001; gnomAD 0.00002 and 0.00003; TOPMed 0.00008; 1000 Genomes Project 0.00020; 1000 Genomes Project 30x 0.00031.
gnomAD v4.1: 10 of 1,613,924 alleles (0.00062%); highest among the groups gnomAD compares: Admixed American, 0.0083%; no homozygotes.

Submissions (4):

PreventionGenetics, part of Exact Sciences
Classification: Uncertain significance for WNK4-related condition. Last evaluated: 2026-07-07. Review status: criteria provided, single submitter. Criteria: ACMG Guidelines, 2015. Collection method: clinical testing. Allele origin: germline.
Comment: The WNK4 c.2837C>G variant is predicted to result in the amino acid substitution p.Pro946Arg. To our knowledge, this variant has not been reported in the literature. This variant is reported in 0.0029% of alleles in individuals of Latino descent in gnomAD. At this time, the clinical significance of this variant is uncertain due to the absence of conclusive functional and genetic evidence.

Labcorp Genetics (formerly Invitae), Labcorp
Classification: Uncertain significance. Last evaluated: 2025-08-12. Review status: criteria provided, single submitter. Criteria: Invitae Variant Classification Sherloc (09022015). Collection method: clinical testing. Allele origin: germline.
Comment: This sequence change replaces proline, which is neutral and non-polar, with arginine, which is basic and polar, at codon 946 of the WNK4 protein (p.Pro946Arg). This variant is present in population databases (rs200187290, gnomAD 0.006%). This variant has not been reported in the literature in individuals affected with WNK4-related conditions. ClinVar contains an entry for this variant (Variation ID: 323345). Invitae Evidence Modeling of protein sequence and biophysical properties (such as structural, functional, and spatial information, amino acid conservation, physicochemical variation, residue mobility, and thermodynamic stability) indicates that this missense variant is not expected to disrupt WNK4 protein function with a negative predictive value of 95%. In summary, the available evidence is currently insufficient to determine the role of this variant in disease. Therefore, it has been classified as a Variant of Uncertain Significance.

Fulgent Genetics
Classification: Uncertain significance for Pseudohypoaldosteronism type 2B. Last evaluated: 2024-01-08. Review status: criteria provided, single submitter. Criteria: ACMG Guidelines, 2015. Collection method: clinical testing. Allele origin: germline.

Ambry Genetics
Classification: Uncertain significance for Inborn genetic diseases. Last evaluated: 2021-09-30. Review status: criteria provided, single submitter. Criteria: Ambry Variant Classification Scheme 2023. Collection method: clinical testing. Allele origin: germline.